The following is an entry in ClinVar:

NM_001211.6(BUB1B):c.1783G>A (p.Gly595Ser)

Gene: BUB1B (BUB1 mitotic checkpoint serine/threonine kinase B; plus strand). Cytogenetic location: 15q15.1.
Variant type: single nucleotide variant.
Coding change: c.1783G>A on transcript NM_001211.6 (MANE Select); coding-DNA position 1783, G replaced by A.
Protein change: p.Gly595Ser; replaces glycine 595 with serine.
Molecular consequence: missense variant.
Genome position (GRCh38, 1-based): chr15:40,206,232, G>A. VCF-style: chr15-40206232-G-A. GRCh37 (hg19) VCF-style: chr15-40498433-G-A.
Other names: short protein forms G595S.
Identifiers: ClinVar variation 1780048 (VCV001780048.5), dbSNP rs994717799, ClinGen allele CA268798062.
Genomic context (GRCh38, chr15:40,206,232, plus strand): 5'-TCTTTATTTCAGGATGAATTTACAGGAATTGAACCCTTGAGCGAGGATGCCATTATCACA[G>A]GCTTCAGAAATGTAACAATTTGTCCTAACCCAGAAGACACTTGTGACTTTGCCAGAGCAG-3'
Protein context (NP_001202.5, residues 585-605): EPLSEDAIIT[Gly595Ser]FRNVTICPNP

ClinVar aggregate classification (germline): Uncertain significance. Review status: criteria provided, multiple submitters, no conflicts (2 of 4 stars). 2 submissions from 2 submitters: Uncertain significance (2). Last evaluated 2024-01-06.

Conditions:
Mosaic variegated aneuploidy syndrome 1 (MVA1). Also called: Warburton-Anyane-Yeboa syndrome. Identifiers: Orphanet 1052, MedGen C1850343, MONDO:0009759, OMIM 257300.
Inborn genetic diseases. Identifiers: MedGen C0950123, MeSH D030342.

Allele frequency attached by ClinVar (database versions not stated): gnomAD 0.00001; TOPMed 0.00001.
gnomAD v4.1: 2 of 1,613,996 alleles (0.00012%); highest among the groups gnomAD compares: African/African-American, 0.0027%; no homozygotes.

Submissions (2):

Labcorp Genetics (formerly Invitae), Labcorp
Classification: Uncertain significance for Mosaic variegated aneuploidy syndrome 1. Last evaluated: 2024-01-06. Review status: criteria provided, single submitter. Criteria: Invitae Variant Classification Sherloc (09022015). Collection method: clinical testing. Allele origin: germline.
Comment: This sequence change replaces glycine, which is neutral and non-polar, with serine, which is neutral and polar, at codon 595 of the BUB1B protein (p.Gly595Ser). This variant is present in population databases (no rsID available, gnomAD 0.01%). This variant has not been reported in the literature in individuals affected with BUB1B-related conditions. ClinVar contains an entry for this variant (Variation ID: 1780048). Algorithms developed to predict the effect of missense changes on protein structure and function output the following: SIFT: "Not Available"; PolyPhen-2: "Possibly Damaging"; Align-GVGD: "Not Available". The serine amino acid residue is found in multiple mammalian species, which suggests that this missense change does not adversely affect protein function. In summary, the available evidence is currently insufficient to determine the role of this variant in disease. Therefore, it has been classified as a Variant of Uncertain Significance.

Ambry Genetics
Classification: Uncertain significance for Inborn genetic diseases. Last evaluated: 2022-08-11. Review status: criteria provided, single submitter. Criteria: Ambry Variant Classification Scheme 2023. Collection method: clinical testing. Allele origin: germline.
Comment: The p.G595S variant (also known as c.1783G>A), located in coding exon 15 of the BUB1B gene, results from a G to A substitution at nucleotide position 1783. The glycine at codon 595 is replaced by serine, an amino acid with similar properties. This amino acid position is conserved. In addition, this alteration is predicted to be tolerated by in silico analysis. Since supporting evidence is limited at this time, the clinical significance of this alteration remains unclear.